The following is an entry in ClinVar:

ClinVar aggregate classification (germline): Uncertain significance. Review status: criteria provided, multiple submitters, no conflicts (2 of 4 stars). 4 submissions from 4 submitters: Uncertain significance (4). Last evaluated 2026-09-01.

Conditions:
Hypophosphatasia. Also called: Phosphoethanol-aminuria. Identifiers: Orphanet 436, MedGen C0020630, MeSH D007014, MONDO:0018570.

Allele frequency attached by ClinVar (database versions not stated): TOPMed 0.00003; ExAC 0.00006; gnomAD 0.00006; ESP Exome Variant Server 0.00008.
gnomAD v4.1: 72 of 1,597,868 alleles (0.0045%); highest among the groups gnomAD compares: East Asian, 0.025%; no homozygotes.

Submissions (4):

Genomenon, Inc
Classification: Uncertain significance for Hypophosphatasia. Last evaluated: 2026-09-01. Review status: criteria provided, single submitter. Criteria: Genomenon Sequence Variant Interpretation Standards - Updated. Collection method: curation. Allele origin: germline. Affected: no.
Comment: ALPL p.Val522Ile (c.1564G>A) is a missense variant that changes the amino acid at codon 522 from Valine to Isoleucine. This variant has been reported in the published literature (PMID:32160374). It is absent or not present at a significant frequency in gnomAD. In silico models predict that this variant is not damaging. In conclusion, we classify ALPL p.Val522Ile (c.1564G>A) as a variant of uncertain significance.

Women's Health and Genetics/Laboratory Corporation of America, LabCorp
Classification: Uncertain significance. Last evaluated: 2024-11-19. Review status: criteria provided, single submitter. Criteria: LabCorp Variant Classification Summary - May 2015. Collection method: clinical testing. Allele origin: germline.
Comment: Variant summary: ALPL c.1564G>A (p.Val522Ile) results in a conservative amino acid change in the encoded protein sequence. Five of five in-silico tools predict a benign effect of the variant on protein function. The variant allele was found at a frequency of 6.5e-05 in 229380 control chromosomes (gnomAD). This frequency is not significantly higher than estimated for a pathogenic variant in ALPL causing Hypophosphatasia (6.5e-05 vs 0.0035), allowing no conclusion about variant significance. To our knowledge, no occurrence of c.1564G>A in individuals affected with Hypophosphatasia has been reported. At least one publication reports experimental evidence evaluating an impact on protein function, finding a small effect on ALPL activity (del Angel_2020). The following publication has been ascertained in the context of this evaluation (PMID: 32160374). ClinVar contains an entry for this variant (Variation ID: 2142481). Based on the evidence outlined above, the variant was classified as uncertain significance.

GeneDx
Classification: Uncertain significance. Last evaluated: 2024-01-25. Review status: criteria provided, single submitter. Criteria: GeneDx Variant Classification Process June 2021. Collection method: clinical testing. Allele origin: germline. Affected: yes.
Comment: In silico analysis supports that this missense variant does not alter protein structure/function; Has not been previously published as pathogenic or benign to our knowledge

Labcorp Genetics (formerly Invitae), Labcorp
Classification: Uncertain significance. Last evaluated: 2022-11-02. Review status: criteria provided, single submitter. Criteria: Invitae Variant Classification Sherloc (09022015). Collection method: clinical testing. Allele origin: germline.
Comment: This sequence change replaces valine, which is neutral and non-polar, with isoleucine, which is neutral and non-polar, at codon 522 of the ALPL protein (p.Val522Ile). This variant is present in population databases (rs372315234, gnomAD 0.02%). This variant has not been reported in the literature in individuals affected with ALPL-related conditions. Advanced modeling of protein sequence and biophysical properties (such as structural, functional, and spatial information, amino acid conservation, physicochemical variation, residue mobility, and thermodynamic stability) performed at Invitae indicates that this missense variant is not expected to disrupt ALPL protein function. In summary, the available evidence is currently insufficient to determine the role of this variant in disease. Therefore, it has been classified as a Variant of Uncertain Significance.

Literature cited by the submitters: PubMed 32160374 (cited by Genomenon, Inc and Women's Health and Genetics/Laboratory Corporation of America, LabCorp).

NM_000478.6(ALPL):c.1564G>A (p.Val522Ile)

Gene: ALPL (alkaline phosphatase, biomineralization associated; plus strand). Cytogenetic location: 1p36.12.
Variant type: single nucleotide variant.
Coding change: c.1564G>A on transcript NM_000478.6 (MANE Select); coding-DNA position 1564, G replaced by A.
Protein change: p.Val522Ile; replaces valine 522 with isoleucine.
Molecular consequence: missense variant.
Genome position (GRCh38, 1-based): chr1:21,577,637, G>A. VCF-style: chr1-21577637-G-A. GRCh37 (hg19) VCF-style: chr1-21904130-G-A.
Other names: c.1399G>A, p.Val467Ile (NM_001127501.4); c.1333G>A, p.Val445Ile (NM_001177520.3); c.1564G>A, p.Val522Ile (NM_001369803.2, NM_001369804.2, NM_001369805.2); c.1564G>A (NM_000478.4); short protein forms V445I, V467I, V522I.
Identifiers: ClinVar variation 2142481 (VCV002142481.4), dbSNP rs372315234, ClinGen allele CA666889.